The following is an entry in ClinVar:

NM_203446.3(SYNJ1):c.242T>G (p.Val81Gly)

Gene: SYNJ1 (synaptojanin 1; minus strand). Cytogenetic location: 21q22.11.
Variant type: single nucleotide variant.
Coding change: c.242T>G on transcript NM_203446.3 (MANE Select); coding-DNA position 242, T replaced by G.
Protein change: p.Val81Gly; replaces valine 81 with glycine.
Molecular consequence: missense variant.
Genome position (GRCh38, 1-based): chr21:32,700,075, A>C on the plus strand (T>G on the coding strand, the complement: SYNJ1 is on the minus strand). VCF-style: chr21-32700075-A-C. GRCh37 (hg19) VCF-style: chr21-34072385-A-C.
Other names: c.242T>G, p.Val81Gly (NM_001160302.2, NM_001160306.2); c.359T>G, p.Val120Gly (NM_003895.4); short protein forms V81G, V120G.
Identifiers: ClinVar variation 2952193 (VCV002952193.3), dbSNP rs2516878102, ClinGen allele CA410102052.

ClinVar aggregate classification (germline): Uncertain significance (1 of 4 stars; one submission).

Conditions:
Early-onset Parkinson disease 20. Also called: PARKINSON DISEASE 20, AUTOSOMAL RECESSIVE EARLY-ONSET. Identifiers: Orphanet 391411, MedGen C3809824, MONDO:0014233, OMIM 615530.
Developmental and epileptic encephalopathy, 53. Also called: Epileptic encephalopathy, early infantile, 53. Identifiers: MedGen C4479313, MONDO:0033362, OMIM 617389.

Allele frequency attached by ClinVar (database versions not stated): gnomAD exomes below 0.00001.
gnomAD v4.1: 1 of 1,613,988 alleles (0.000062%); highest among the groups gnomAD compares: South Asian, 0.0011%; no homozygotes.

Submission:

Labcorp Genetics (formerly Invitae), Labcorp
Classification: Uncertain significance for Developmental and epileptic encephalopathy, 53; Early-onset Parkinson disease 20. Last evaluated: 2023-09-22. Review status: criteria provided, single submitter. Criteria: Invitae Variant Classification Sherloc (09022015). Collection method: clinical testing. Allele origin: germline.
Comment: Advanced modeling of protein sequence and biophysical properties (such as structural, functional, and spatial information, amino acid conservation, physicochemical variation, residue mobility, and thermodynamic stability) performed at Invitae indicates that this missense variant is expected to disrupt SYNJ1 protein function. Algorithms developed to predict the effect of sequence changes on RNA splicing suggest that this variant may disrupt the consensus splice site. In summary, the available evidence is currently insufficient to determine the role of this variant in disease. Therefore, it has been classified as a Variant of Uncertain Significance. This sequence change replaces valine, which is neutral and non-polar, with glycine, which is neutral and non-polar, at codon 120 of the SYNJ1 protein (p.Val120Gly). This variant is not present in population databases (gnomAD no frequency). This variant has not been reported in the literature in individuals affected with SYNJ1-related conditions.